The following is an entry in ClinVar:

ClinVar aggregate classification (germline): Uncertain significance (0 of 4 stars; one submission).

Submission:

Department of Pathology and Laboratory Medicine, Sinai Health System
Classification: Uncertain significance. Review status: no assertion criteria provided. Collection method: clinical testing. Allele origin: unknown. Affected: yes. Study: The Canadian Open Genetics Repository (COGR).
Comment: The VPS13B p.Thr1172Ile variant was not identified in the literature nor was it identified in ClinVar. The variant was identified in dbSNP (ID: rs1306881471) but was not identified in the following control databases: the 1000 Genomes Project, the NHLBI GO Exome Sequencing Project, or the Genome Aggregation Database (March 6, 2019, v2.1.1). The p.Thr1172 residue is conserved in mammals and computational analyses (PolyPhen-2, SIFT, AlignGVGD, BLOSUM, MutationTaster) provide inconsistent predictions regarding the impact to the protein; this information is not very predictive of pathogenicity. The variant occurs outside of the splicing consensus sequence and in silico or computational prediction software programs (SpliceSiteFinder, MaxEntScan, NNSPLICE, GeneSplicer) do not predict a difference in splicing. In summary, based on the above information the clinical significance of this variant cannot be determined with certainty at this time. This variant is classified as a variant of uncertain significance.

NM_152564.5(VPS13B):c.3515C>T (p.Thr1172Ile)

Gene: VPS13B (vacuolar protein sorting 13 homolog B; plus strand). Cytogenetic location: 8q22.2.
Variant type: single nucleotide variant.
Coding change: c.3515C>T on transcript NM_152564.5 (MANE Select); coding-DNA position 3515, C replaced by T.
Protein change: p.Thr1172Ile; replaces threonine 1172 with isoleucine.
Molecular consequence: missense variant.
Genome position (GRCh38, 1-based): chr8:99,467,483, C>T. VCF-style: chr8-99467483-C-T. GRCh37 (hg19) VCF-style: chr8-100479711-C-T.
Other names: c.3515C>T, p.Thr1172Ile (NM_017890.5); short protein forms T1172I.
Identifiers: ClinVar variation 1049888 (VCV001049888.1), dbSNP rs1306881471, ClinGen allele CA371866054.
Genomic context (GRCh38, chr8:99,467,483, plus strand): 5'-TTCCTTGGACGATCAGCTTGCATAATTTCAGCATATATACCCTTCTTGGAAAACAAGTGA[C>T]ACTTTGCCTAGTGGAACCTATGGGTTGCACCTCCACTCTAGCTGTCACGTCTCAAAAACT-3'
Protein context (NP_689777.3, residues 1162-1182): SIYTLLGKQV[Thr1172Ile]LCLVEPMGCT